The following is an entry in ClinVar:

NM_000257.4(MYH7):c.2020A>C (p.Ile674Leu)

Gene: MYH7 (myosin heavy chain 7; minus strand). Cytogenetic location: 14q11.2.
Variant type: single nucleotide variant.
Coding change: c.2020A>C on transcript NM_000257.4 (MANE Select); coding-DNA position 2020, A replaced by C.
Protein change: p.Ile674Leu; replaces isoleucine 674 with leucine.
Molecular consequence: missense variant.
Genome position (GRCh38, 1-based): chr14:23,426,801, T>G on the plus strand (A>C on the coding strand, the complement: MYH7 is on the minus strand). VCF-style: chr14-23426801-T-G. GRCh37 (hg19) VCF-style: chr14-23896010-T-G.
Other names: c.2020A>C, p.Ile674Leu (NM_001407004.1); short protein forms I674L.
Identifiers: ClinVar variation 1718509 (VCV001718509.5), dbSNP rs2502292417, ClinGen allele CA389049307.

ClinVar aggregate classification (germline): Uncertain significance (1 of 4 stars; one submission).

Conditions:
Hypertrophic cardiomyopathy. Also called: HYPERTROPHIC MYOCARDIOPATHY. Identifiers: Orphanet 217569, MedGen C0007194, MeSH D002312, MONDO:0005045, HP:0001639.

Submission:

Labcorp Genetics (formerly Invitae), Labcorp
Classification: Uncertain significance for Hypertrophic cardiomyopathy. Last evaluated: 2022-08-31. Review status: criteria provided, single submitter. Criteria: Invitae Variant Classification Sherloc (09022015). Collection method: clinical testing. Allele origin: germline.
Comment: In summary, the available evidence is currently insufficient to determine the role of this variant in disease. Therefore, it has been classified as a Variant of Uncertain Significance. Algorithms developed to predict the effect of missense changes on protein structure and function are either unavailable or do not agree on the potential impact of this missense change (SIFT: "Deleterious"; PolyPhen-2: "Probably Damaging"; Align-GVGD: "Class C0"). This variant has not been reported in the literature in individuals affected with MYH7-related conditions. This variant is not present in population databases (gnomAD no frequency). This sequence change replaces isoleucine, which is neutral and non-polar, with leucine, which is neutral and non-polar, at codon 674 of the MYH7 protein (p.Ile674Leu).